The following is an entry in ClinVar:

NM_003801.4(GPAA1):c.152C>T (p.Ser51Leu)

Gene: GPAA1 (glycosylphosphatidylinositol anchor attachment 1; plus strand). Cytogenetic location: 8q24.3.
Variant type: single nucleotide variant.
Coding change: c.152C>T on transcript NM_003801.4 (MANE Select); coding-DNA position 152, C replaced by T.
Protein change: p.Ser51Leu; replaces serine 51 with leucine.
Molecular consequence: missense variant.
Genome position (GRCh38, 1-based): chr8:144,083,201, C>T. VCF-style: chr8-144083201-C-T. GRCh37 (hg19) VCF-style: chr8-145138104-C-T.
Other names: short protein forms S51L.
Identifiers: ClinVar variation 617925 (VCV000617925.1), dbSNP rs1554763770, ClinGen allele CA372597515.

ClinVar aggregate classification (germline): Likely pathogenic (1 of 4 stars; one submission).

Conditions:
Glycosylphosphatidylinositol biosynthesis defect 15. Also called: DEVELOPMENTAL DELAY, EPILEPSY, CEREBELLAR ATROPHY, AND OSTEOPENIA. Identifiers: Orphanet 529665, MedGen C4540520, MONDO:0060627, OMIM 617810.

Allele frequency attached by ClinVar (database versions not stated): gnomAD below 0.00001 and 0.00001.
gnomAD v4.1: 3 of 1,612,964 alleles (0.00019%); highest among the groups gnomAD compares: East Asian, 0.0022%; no homozygotes.

Submission:

SIB Swiss Institute of Bioinformatics
Classification: Likely pathogenic for Glycosylphosphatidylinositol biosynthesis defect 15. Last evaluated: 2018-10-15. Review status: criteria provided, single submitter. Criteria: ACMG Guidelines, 2015. Collection method: curation. Allele origin: germline.
Comment: This variant is interpreted as Likely Pathogenic, for Glycosylphosphatidylinositol biosynthesis defect 15, autosomal recessive. The following ACMG Tag(s) were applied: PM2 => Absent from controls (or at extremely low frequency if recessive) in Exome Sequencing Project, 1000 Genomes Project, or Exome Aggregation Consortium. PS3 => Well-established functional studies show a deleterious effect (PubMed 29100095). PP1 => Cosegregation with disease in multiple affected family members in a gene definitively known to cause the disease (PubMed 29100095). PP3 => Multiple lines of computational evidence support a deleterious effect on the gene or gene product. PM3-Supporting => PM3 downgraded in strength to Supporting (PubMed 29100095).

Literature cited by the submitters: PubMed 29100095.